The following is an entry in ClinVar:

ClinVar aggregate classification (germline): Likely benign. Review status: criteria provided, multiple submitters, no conflicts (2 of 4 stars). 2 submissions from 2 submitters: Likely benign (2). Last evaluated 2026-01-01.

gnomAD v4.1: 290 of 1,612,518 alleles (0.018%); highest among the groups gnomAD compares: African/African-American, 0.3%; 2 homozygotes.

Submissions (2):

CeGaT Center for Human Genetics Tuebingen
Classification: Likely benign. Last evaluated: 2026-01-01. Review status: criteria provided, single submitter. Criteria: CeGaT Center For Human Genetics Tuebingen Variant Classification Criteria Version 2. Collection method: clinical testing. Allele origin: germline. Affected: yes. Observed: 1 variant allele.
Comment: INTS1: BP4, BP7

Blueprint Genetics
Classification: Likely benign. Last evaluated: 2024-10-18. Review status: criteria provided, single submitter. Criteria: ACMG Guidelines, 2015. Collection method: clinical testing. Allele origin: germline.

NM_001080453.3(INTS1):c.4560C>T (p.Thr1520=)

Gene: INTS1 (integrator complex subunit 1; minus strand). Cytogenetic location: 7p22.3.
Variant type: single nucleotide variant.
Coding change: c.4560C>T on transcript NM_001080453.3 (MANE Select); coding-DNA position 4560, C replaced by T.
Protein change: p.Thr1520=; no amino-acid change (threonine 1520 retained).
Molecular consequence: synonymous variant.
Genome position (GRCh38, 1-based): chr7:1,478,436, G>A on the plus strand (C>T on the coding strand, the complement: INTS1 is on the minus strand). VCF-style: chr7-1478436-G-A. GRCh37 (hg19) VCF-style: chr7-1518072-G-A.
Identifiers: ClinVar variation 4821792 (VCV004821792.5).